The following is an entry in ClinVar:

NM_033004.4(NLRP1):c.1529A>G (p.Asn510Ser)

Gene: NLRP1 (NLR family pyrin domain containing 1; minus strand). Cytogenetic location: 17p13.2.
Variant type: single nucleotide variant.
Coding change: c.1529A>G on transcript NM_033004.4 (MANE Select); coding-DNA position 1529, A replaced by G.
Protein change: p.Asn510Ser; replaces asparagine 510 with serine.
Molecular consequence: missense variant.
Genome position (GRCh38, 1-based): chr17:5,559,167, T>C on the plus strand (A>G on the coding strand, the complement: NLRP1 is on the minus strand). VCF-style: chr17-5559167-T-C. GRCh37 (hg19) VCF-style: chr17-5462487-T-C.
Other names: c.1529A>G, p.Asn510Ser (NM_001033053.3, NM_014922.5, NM_033006.4 and 1 more transcripts); short protein forms N510S.
Identifiers: ClinVar variation 1390138 (VCV001390138.6), dbSNP rs1341063354, ClinGen allele CA397385512.

ClinVar aggregate classification (germline): Uncertain significance (1 of 4 stars; one submission).

Allele frequency attached by ClinVar (database versions not stated): TOPMed below 0.00001; gnomAD 0.00001.
gnomAD v4.1: 2 of 1,614,098 alleles (0.00012%); highest among the groups gnomAD compares: East Asian, 0.0022%; no homozygotes.

Submission:

Labcorp Genetics (formerly Invitae), Labcorp
Classification: Uncertain significance. Last evaluated: 2025-04-02. Review status: criteria provided, single submitter. Criteria: Invitae Variant Classification Sherloc (09022015). Collection method: clinical testing. Allele origin: germline.
Comment: This sequence change replaces asparagine, which is neutral and polar, with serine, which is neutral and polar, at codon 510 of the NLRP1 protein (p.Asn510Ser). This variant is not present in population databases (gnomAD no frequency). This variant has not been reported in the literature in individuals affected with NLRP1-related conditions. ClinVar contains an entry for this variant (Variation ID: 1390138). An algorithm developed to predict the effect of missense changes on protein structure and function outputs the following: PolyPhen-2: "Probably Damaging". The serine amino acid residue is found in multiple mammalian species, which suggests that this missense change does not adversely affect protein function. In summary, the available evidence is currently insufficient to determine the role of this variant in disease. Therefore, it has been classified as a Variant of Uncertain Significance.